The following is an entry in ClinVar:

NM_001378454.1(ALMS1):c.2840C>T (p.Thr947Ile)

Gene: ALMS1 (ALMS1 centrosome and basal body associated protein; plus strand). Cytogenetic location: 2p13.1.
Variant type: single nucleotide variant.
Coding change: c.2840C>T on transcript NM_001378454.1 (MANE Select); coding-DNA position 2840, C replaced by T.
Protein change: p.Thr947Ile; replaces threonine 947 with isoleucine.
Molecular consequence: missense variant.
Genome position (GRCh38, 1-based): chr2:73,449,367, C>T. VCF-style: chr2-73449367-C-T. GRCh37 (hg19) VCF-style: chr2-73676494-C-T.
Other names: c.2843C>T, p.Thr948Ile (NM_015120.4); short protein forms T948I, T947I.
Identifiers: ClinVar variation 1361755 (VCV001361755.6), dbSNP rs576877900, ClinGen allele CA1713419.
Genomic context (GRCh38, chr2:73,449,367, plus strand): 5'-TCCCTGAAGAAGCTCTGAAGGTTTCAGCTGTTTCTGTATTGGCTGCCCAGAAGACTGGGA[C>T]ACCAACAGTGTCCTCTAATTCTCACTCACATAGCGAGAAATCTAGTGTTTTCTACCAGCA-3'
Protein context (NP_001365383.1, residues 937-957): VSVLAAQKTG[Thr947Ile]PTVSSNSHSH

ClinVar aggregate classification (germline): Uncertain significance. Review status: criteria provided, multiple submitters, no conflicts (2 of 4 stars). 2 submissions from 2 submitters: Uncertain significance (2). Last evaluated 2026-01-06.

Conditions:
Alstrom syndrome (ALMS). Identifiers: Orphanet 64, MedGen C0268425, MONDO:0008763, OMIM 203800.

Allele frequency attached by ClinVar (database versions not stated): gnomAD exomes below 0.00001 and 0.00001; gnomAD 0.00001; ExAC 0.00002; 1000 Genomes Project 30x 0.00016; 1000 Genomes Project 0.00020.
gnomAD v4.1: 10 of 1,614,092 alleles (0.00062%); highest among the groups gnomAD compares: East Asian, 0.0045%; no homozygotes.

Submissions (2):

Labcorp Genetics (formerly Invitae), Labcorp
Classification: Uncertain significance for Alstrom syndrome. Last evaluated: 2026-01-06. Review status: criteria provided, single submitter. Criteria: Invitae Variant Classification Sherloc (09022015). Collection method: clinical testing. Allele origin: germline.
Comment: This sequence change replaces threonine, which is neutral and polar, with isoleucine, which is neutral and non-polar, at codon 948 of the ALMS1 protein (p.Thr948Ile). This variant is present in population databases (rs576877900, gnomAD 0.006%). This variant has not been reported in the literature in individuals affected with ALMS1-related conditions. ClinVar contains an entry for this variant (Variation ID: 1361755). Experimental studies and prediction algorithms are not available or were not evaluated, and the functional significance of this variant is currently unknown. In summary, the available evidence is currently insufficient to determine the role of this variant in disease. Therefore, it has been classified as a Variant of Uncertain Significance.

GeneDx
Classification: Uncertain significance. Last evaluated: 2023-05-17. Review status: criteria provided, single submitter. Criteria: GeneDx Variant Classification Process June 2021. Collection method: clinical testing. Allele origin: germline. Affected: yes.
Comment: Not observed at significant frequency in large population cohorts (gnomAD); In silico analysis supports that this missense variant does not alter protein structure/function; Has not been previously published as pathogenic or benign to our knowledge